The following is an entry in ClinVar:

NM_001384140.1(PCDH15):c.3495_3496del (p.Arg1165fs)

Gene: PCDH15 (protocadherin related 15; minus strand). Cytogenetic location: 10q21.1.
Variant type: Microsatellite.
Coding change: c.3495_3496del on transcript NM_001384140.1 (MANE Select); coding-DNA positions 3495 to 3496, 2 bases deleted (AG; older notation c.3495_3496delAG).
Protein change: p.Arg1165fs; shifts the reading frame from arginine 1165.
Molecular consequence: frameshift variant.
Genome position (GRCh38, 1-based): chr10:53,903,248-53,903,249, CT deleted on the plus strand (AG on the coding strand, the reverse complement: PCDH15 is on the minus strand); deleting any 2 consecutive bases within chr10:53,903,248-53,903,251 gives the same sequence; the c. name uses the placement nearest the transcript's 3' end. VCF-style (leftmost placement, unchanged base first): chr10-53903247-ACT-A. GRCh37 (hg19) VCF-style: chr10-55663007-ACT-A.
Other names: c.3495_3496delAG (NM_033056.4); c.3510_3511del, p.Arg1170fs (NM_001142763.2, NM_001142771.2); c.3495_3496del, p.Arg1165fs (NM_001142764.2, NM_001142766.2, NM_001142770.3 and 4 more transcripts); c.3282_3283del, p.Arg1094fs (NM_001142765.2); c.3384_3385del, p.Arg1128fs (NM_001142767.2); c.3429_3430del, p.Arg1143fs (NM_001142768.2, NM_001142773.2, NM_001354404.2); c.3529_3530AG[1], p.Arg1177Serfs (NM_001142769.4); c.3516_3517del, p.Arg1172fs (NM_001354411.2); short protein forms R1094fs, R1128fs, R1143fs, R1165fs, R1170fs, R1172fs, R1177fs.
Identifiers: ClinVar variation 1339715 (VCV001339715.2), dbSNP rs2133664431, ClinGen allele CA2580615472.
Genomic context (GRCh38, chr10:53,903,247, plus strand): 5'-ATCTGCAAAACCTGAGCTTTTACTTTAGTTCTGTATATTAACATAATTCCGCATACCTTC[ACT>A]CTGAGTACAGAAGTAAACATTCTTGCATCTTCAGATACACCTCCGATGTAGAATTTTTTC-3'

ClinVar aggregate classification (germline): Pathogenic (1 of 4 stars; one submission).

Conditions:
Usher syndrome type 1F (USH1F). Also called: USHER SYNDROME, TYPE IF. Identifiers: Orphanet 231169, Orphanet 886, MedGen C1865885, MONDO:0011186, OMIM 602083.

Submission:

Women's Health and Genetics/Laboratory Corporation of America, LabCorp
Classification: Pathogenic for Usher syndrome type 1F. Last evaluated: 2025-11-07. Review status: criteria provided, single submitter. Criteria: LabCorp Variant Classification Summary - May 2015. Collection method: clinical testing. Allele origin: germline.
Comment: Variant summary: PCDH15 c.3495_3496delAG (p.Arg1165SerfsX5) results in a premature termination codon, predicted to cause a truncation of the encoded protein or absence of the protein due to nonsense mediated decay, which are commonly known mechanisms for disease. The variant was absent in 250940 control chromosomes. To our knowledge, no occurrence of c.3495_3496delAG in individuals affected with PCDH15-related conditions and no experimental evidence demonstrating its impact on protein function have been reported. ClinVar contains an entry for this variant (Variation ID: 1339715). Based on the evidence outlined above, the variant was classified as pathogenic.